The following is an entry in ClinVar:

ClinVar aggregate classification (germline): Uncertain significance (1 of 4 stars; one submission).

gnomAD v4.1: 2 of 1,613,882 alleles (0.00012%); no homozygotes.

Submission:

Labcorp Genetics (formerly Invitae), Labcorp
Classification: Uncertain significance. Last evaluated: 2026-01-28. Review status: criteria provided, single submitter. Criteria: Invitae Variant Classification Sherloc (09022015). Collection method: clinical testing. Allele origin: germline.
Comment: This sequence change replaces lysine, which is basic and polar, with asparagine, which is neutral and polar, at codon 578 of the CYLD protein (p.Lys578Asn). This variant is not present in population databases (gnomAD no frequency). This variant has not been reported in the literature in individuals affected with CYLD-related conditions. Invitae Evidence Modeling of protein sequence and biophysical properties (such as structural, functional, and spatial information, amino acid conservation, physicochemical variation, residue mobility, and thermodynamic stability) indicates that this missense variant is not expected to disrupt CYLD protein function with a negative predictive value of 80%. In summary, the available evidence is currently insufficient to determine the role of this variant in disease. Therefore, it has been classified as a Variant of Uncertain Significance.

NM_001378743.1(CYLD):c.1734A>T (p.Lys578Asn)

Gene: CYLD (CYLD lysine 63 deubiquitinase; plus strand). Cytogenetic location: 16q12.1.
Variant type: single nucleotide variant.
Coding change: c.1734A>T on transcript NM_001378743.1 (MANE Select); coding-DNA position 1734, A replaced by T.
Protein change: p.Lys578Asn; replaces lysine 578 with asparagine.
Molecular consequence: missense variant. On other transcripts: non-coding transcript variant (1).
Genome position (GRCh38, 1-based): chr16:50,782,374, A>T. VCF-style: chr16-50782374-A-T. GRCh37 (hg19) VCF-style: chr16-50816285-A-T.
Other names: c.1725A>T, p.Lys575Asn (NM_001042355.2, NM_001042412.3, NM_001378744.1 and 6 more transcripts); c.1695A>T, p.Lys565Asn (NM_001378751.1, NM_001378752.1, NM_001378753.1); c.1059A>T, p.Lys353Asn (NM_001378754.1, NM_001378755.1); c.1734A>T, p.Lys578Asn (NM_015247.3); short protein forms K575N, K578N, K565N, K353N.
Identifiers: ClinVar variation 4746124 (VCV004746124.1).